The following is an entry in ClinVar:

NM_001035.3(RYR2):c.295-5T>C

Gene: RYR2 (ryanodine receptor 2; plus strand). Cytogenetic location: 1q43.
Variant type: single nucleotide variant.
Coding change: c.295-5T>C on transcript NM_001035.3 (MANE Select); 5 bases into the intron before coding-DNA position 295, T replaced by C.
Molecular consequence: intron variant.
Genome position (GRCh38, 1-based): chr1:237,364,353, T>C. VCF-style: chr1-237364353-T-C. GRCh37 (hg19) VCF-style: chr1-237527653-T-C.
Other names: c.295-5T>C (LRG_402t1).
Identifiers: ClinVar variation 519029 (VCV000519029.5), dbSNP rs1553420541, ClinGen allele CA658795627.

ClinVar aggregate classification (germline): Uncertain significance (1 of 4 stars; one submission).

Conditions:
Cardiovascular phenotype. Identifiers: MedGen CN230736.

Allele frequency attached by ClinVar (database versions not stated): gnomAD exomes below 0.00001.
gnomAD v4.1: 1 of 1,576,082 alleles (0.000063%); highest among the groups gnomAD compares: Non-Finnish European, 0.000086%; no homozygotes.

Submission:

Ambry Genetics
Classification: Uncertain significance for Cardiovascular phenotype. Last evaluated: 2017-09-14. Review status: criteria provided, single submitter. Criteria: Ambry Variant Classification Scheme 2023. Collection method: clinical testing. Allele origin: germline.
Comment: The c.295-5T>C intronic variant results from a T to C substitution 5 nucleotides upstream from coding exon 5 in the RYR2 gene. This nucleotide position is not well conserved in available vertebrate species. Using the BDGP and ESEfinder splice site prediction tools, this alteration is not predicted to have any significant effect on this splice acceptor site; however, direct evidence is unavailable. Since supporting evidence is limited at this time, the clinical significance of this alteration remains unclear.